The following is an entry in ClinVar:

NM_031935.3(HMCN1):c.9522T>A (p.Asp3174Glu)

Gene: HMCN1 (hemicentin 1; plus strand). Cytogenetic location: 1q31.1.
Variant type: single nucleotide variant.
Coding change: c.9522T>A on transcript NM_031935.3 (MANE Select); coding-DNA position 9522, T replaced by A.
Protein change: p.Asp3174Glu; replaces aspartic acid 3174 with glutamic acid.
Molecular consequence: missense variant.
Genome position (GRCh38, 1-based): chr1:186,088,221, T>A. VCF-style: chr1-186088221-T-A. GRCh37 (hg19) VCF-style: chr1-186057353-T-A.
Other names: short protein forms D3174E.
Identifiers: ClinVar variation 294212 (VCV000294212.15), dbSNP rs76432158, ClinGen allele CA1293454.

ClinVar aggregate classification (germline): Likely benign. Review status: criteria provided, multiple submitters, no conflicts (2 of 4 stars). 4 submissions from 4 submitters: Likely benign (3). 1 of the submissions does not count toward it. Last evaluated 2025-08-20.

Conditions:
HMCN1-related disorder. Also called: HMCN1-related condition.
Age related macular degeneration 1 (ARMD1). Also called: MACULOPATHY, AGE-RELATED, 1. Identifiers: MedGen C1864205, MONDO:0011285, OMIM 603075.

Allele frequency attached by ClinVar (database versions not stated): ESP Exome Variant Server 0.00008; gnomAD 0.00014 and 0.00026; TOPMed 0.00019; gnomAD exomes 0.00040; ExAC 0.00045; 1000 Genomes Project 30x 0.00094; 1000 Genomes Project 0.00120.
gnomAD v4.1: 608 of 1,612,974 alleles (0.038%); highest among the groups gnomAD compares: East Asian, 1.1%; 6 homozygotes.

Submissions (4):

Labcorp Genetics (formerly Invitae), Labcorp
Classification: Likely benign. Last evaluated: 2025-08-20. Review status: criteria provided, single submitter. Criteria: Invitae Variant Classification Sherloc (09022015). Collection method: clinical testing. Allele origin: germline.

Genome-Nilou Lab
Classification: Likely benign for Age related macular degeneration 1. Last evaluated: 2023-04-11. Review status: criteria provided, single submitter. Criteria: ACMG Guidelines, 2015. Collection method: clinical testing. Allele origin: germline. Affected: no.

Illumina Laboratory Services, Illumina
Classification: Likely benign for Age related macular degeneration 1. Last evaluated: 2018-01-12. Review status: criteria provided, single submitter. Criteria: ICSL Variant Classification Criteria 13 December 2019. Collection method: clinical testing. Allele origin: germline.
Comment: This variant was observed in the ICSL laboratory as part of a predisposition screen in an ostensibly healthy population. It had not been previously curated by ICSL or reported in the Human Gene Mutation Database (HGMD: prior to June 1st, 2018), and was therefore a candidate for classification through an automated scoring system. Utilizing variant allele frequency, disease prevalence and penetrance estimates, and inheritance mode, an automated score was calculated to assess if this variant is too frequent to cause the disease. Based on the score and internal cut-off values, a variant classified as likely benign is not then subjected to further curation. The score for this variant resulted in a classification of likely benign for this disease.

PreventionGenetics, part of Exact Sciences
Classification: Likely benign for HMCN1-related condition. Last evaluated: 2019-07-17. Review status: no assertion criteria provided. Collection method: clinical testing. Allele origin: germline. Not counted in ClinVar's aggregate classification.
Comment: This variant is classified as likely benign based on ACMG/AMP sequence variant interpretation guidelines (Richards et al. 2015 PMID: 25741868, with internal and published modifications).